The following is an entry in ClinVar:

ClinVar aggregate classification (germline): Likely benign (1 of 4 stars; one submission).

Allele frequency attached by ClinVar (database versions not stated): TOPMed below 0.00001; ExAC 0.00001; gnomAD exomes 0.00001 and 0.00002.

Submission:

GeneDx
Classification: Likely benign. Last evaluated: 2017-09-25. Review status: criteria provided, single submitter. Criteria: GeneDx Variant Classification (06012015). Collection method: clinical testing. Allele origin: germline. Affected: yes.
Comment: This variant is considered likely benign or benign based on one or more of the following criteria: it is a conservative change, it occurs at a poorly conserved position in the protein, it is predicted to be benign by multiple in silico algorithms, and/or has population frequency not consistent with disease.

NM_001614.5(ACTG1):c.895C>T (p.Leu299=)

Gene: ACTG1 (actin gamma 1; minus strand). Cytogenetic location: 17q25.3.
Variant type: single nucleotide variant.
Coding change: c.895C>T on transcript NM_001614.5 (MANE Select); coding-DNA position 895, C replaced by T.
Protein change: p.Leu299=; no amino-acid change (leucine 299 retained).
Molecular consequence: synonymous variant. On other transcripts: non-coding transcript variant (1).
Genome position (GRCh38, 1-based): chr17:81,511,016, G>A on the plus strand (C>T on the coding strand, the complement: ACTG1 is on the minus strand). VCF-style: chr17-81511016-G-A. GRCh37 (hg19) VCF-style: chr17-79478042-G-A.
Other names: c.895C>T, p.Leu299= (NM_001199954.3).
Identifiers: ClinVar variation 512334 (VCV000512334.1), dbSNP rs781869067, ClinGen allele CA8835911.